The following is an entry in ClinVar:

NM_012330.4(KAT6B):c.4437C>T (p.Val1479=)

Gene: KAT6B (lysine acetyltransferase 6B; plus strand). Cytogenetic location: 10q22.2.
Variant type: single nucleotide variant.
Coding change: c.4437C>T on transcript NM_012330.4 (MANE Select); coding-DNA position 4437, C replaced by T.
Protein change: p.Val1479=; no amino-acid change (valine 1479 retained).
Molecular consequence: synonymous variant.
Genome position (GRCh38, 1-based): chr10:75,029,261, C>T. VCF-style: chr10-75029261-C-T. GRCh37 (hg19) VCF-style: chr10-76789019-C-T.
Other names: c.3888C>T, p.Val1296= (NM_001256468.2, NM_001370138.1); c.3561C>T, p.Val1187= (NM_001256469.2, NM_001370139.1, NM_001370140.1 and 2 more transcripts); c.3399C>T, p.Val1133= (NM_001370132.1); c.2748C>T, p.Val916= (NM_001370133.1); c.2352C>T, p.Val784= (NM_001370134.1); c.2094C>T, p.Val698= (NM_001370135.1); c.4437C>T, p.Val1479= (NM_001370136.1, NM_001370137.1); c.3372C>T, p.Val1124= (NM_001370143.1, NM_001370144.1); and 1 more.
Identifiers: ClinVar variation 2061816 (VCV002061816.6), dbSNP rs555311731, ClinGen allele CA5565034.
Genomic context (GRCh38, chr10:75,029,261, plus strand): 5'-TTTAGACCTTAATGTGCAGCCTGGTCACTCGAACCCAGAGGTCTTAATGGACTGTGGCGT[C>T]GACCTGACAGCTTCTTGTAACAGTGAGCCCAAGGAGCTTGCTGGGGACCCTGAAGCTGTA-3'
Protein context (NP_036462.2, residues 1469-1489): SNPEVLMDCG[Val1479=]DLTASCNSEP

ClinVar aggregate classification (germline): Likely benign. Review status: criteria provided, single submitter (1 of 4 stars). 2 submissions from 2 submitters: Likely benign (1). 1 of the submissions does not count toward it. Last evaluated 2026-01-19.

Conditions:
Genitopatellar syndrome (GTPTS). Also called: Genitopatellar syndrome (GPS); ABSENT PATELLAE, SCROTAL HYPOPLASIA, RENAL ANOMALIES, FACIAL DYSMORPHISM, AND MENTAL RETARDATION. Identifiers: Orphanet 85201, MedGen C1853566, MONDO:0011640, OMIM 606170.
KAT6B-related disorder. Also called: KAT6B-related disorders; KAT6B-related condition.

Allele frequency attached by ClinVar (database versions not stated): TOPMed below 0.00001; gnomAD 0.00001; gnomAD exomes 0.00001; ExAC 0.00002; 1000 Genomes Project 30x 0.00016; 1000 Genomes Project 0.00020.
gnomAD v4.1: 19 of 1,614,154 alleles (0.0012%); highest among the groups gnomAD compares: African/African-American, 0.0027%; no homozygotes.

Submissions (2):

Labcorp Genetics (formerly Invitae), Labcorp
Classification: Likely benign for Genitopatellar syndrome. Last evaluated: 2026-01-19. Review status: criteria provided, single submitter. Criteria: Invitae Variant Classification Sherloc (09022015). Collection method: clinical testing. Allele origin: germline.

PreventionGenetics, part of Exact Sciences
Classification: Likely benign for KAT6B-related condition. Last evaluated: 2020-12-31. Review status: no assertion criteria provided. Collection method: clinical testing. Allele origin: germline. Not counted in ClinVar's aggregate classification.
Comment: This variant is classified as likely benign based on ACMG/AMP sequence variant interpretation guidelines (Richards et al. 2015 PMID: 25741868, with internal and published modifications).